The following is an entry in ClinVar:

NM_052872.4(IL17F):c.329C>T (p.Ala110Val)

Gene: IL17F (interleukin 17F; minus strand). Cytogenetic location: 6p12.2.
Variant type: single nucleotide variant.
Coding change: c.329C>T on transcript NM_052872.4 (MANE Select); coding-DNA position 329, C replaced by T.
Protein change: p.Ala110Val; replaces alanine 110 with valine.
Molecular consequence: missense variant.
Genome position (GRCh38, 1-based): chr6:52,237,094, G>A on the plus strand (C>T on the coding strand, the complement: IL17F is on the minus strand). VCF-style: chr6-52237094-G-A. GRCh37 (hg19) VCF-style: chr6-52101892-G-A.
Other names: short protein forms A110V.
Identifiers: ClinVar variation 2901334 (VCV002901334.3), dbSNP rs2532687287, ClinGen allele CA364444687.

ClinVar aggregate classification (germline): Uncertain significance (1 of 4 stars; one submission).

Conditions:
Candidiasis, familial, 6 (CANDF6). Also called: Candidiasis, familial, 6, autosomal dominant. Identifiers: Orphanet 1334, MedGen C3151405, MONDO:0013503, OMIM 613956.

Allele frequency attached by ClinVar (database versions not stated): gnomAD exomes below 0.00001.
gnomAD v4.1: 2 of 1,614,220 alleles (0.00012%); highest among the groups gnomAD compares: Admixed American, 0.0017%; no homozygotes.

Submission:

Labcorp Genetics (formerly Invitae), Labcorp
Classification: Uncertain significance for Candidiasis, familial, 6. Last evaluated: 2023-12-17. Review status: criteria provided, single submitter. Criteria: Invitae Variant Classification Sherloc (09022015). Collection method: clinical testing. Allele origin: germline.
Comment: This sequence change replaces alanine, which is neutral and non-polar, with valine, which is neutral and non-polar, at codon 110 of the IL17F protein (p.Ala110Val). This variant is not present in population databases (gnomAD no frequency). This variant has not been reported in the literature in individuals affected with IL17F-related conditions. An algorithm developed to predict the effect of missense changes on protein structure and function (PolyPhen-2) suggests that this variant is likely to be disruptive. In summary, the available evidence is currently insufficient to determine the role of this variant in disease. Therefore, it has been classified as a Variant of Uncertain Significance.